The following is an entry in ClinVar:

ClinVar aggregate classification (germline): Likely benign. Review status: criteria provided, multiple submitters, no conflicts (2 of 4 stars). 2 submissions from 2 submitters: Likely benign (2). Last evaluated 2026-06-02.

Submissions (2):

Women's Health and Genetics/Laboratory Corporation of America, LabCorp
Classification: Likely benign. Last evaluated: 2026-06-02. Review status: criteria provided, single submitter. Criteria: LabCorp Variant Classification Summary - May 2015. Collection method: clinical testing. Allele origin: germline.
Comment: Variant summary: ANAPC1 c.1308A>G alters a conserved nucleotide resulting in a synonymous change. The frequency data for this variant in gnomAD is considered unreliable, as metrics indicate poor data quality at this position. To our knowledge, no occurrence of c.1308A>G in individuals affected with ANAPC1-related conditions and no experimental evidence demonstrating its impact on protein function have been reported. No submitters have cited clinical-significance assessments for this variant to ClinVar. Based on the evidence outlined above, the variant was classified as likely benign.

Blueprint Genetics
Classification: Likely benign. Last evaluated: 2024-11-26. Review status: criteria provided, single submitter. Criteria: ACMG Guidelines, 2015. Collection method: clinical testing. Allele origin: germline.

NM_022662.4(ANAPC1):c.1308A>G (p.Leu436=)

Gene: ANAPC1 (anaphase promoting complex subunit 1; minus strand). Cytogenetic location: 2q13.
Variant type: single nucleotide variant.
Coding change: c.1308A>G on transcript NM_022662.4 (MANE Select); coding-DNA position 1308, A replaced by G.
Protein change: p.Leu436=; no amino-acid change (leucine 436 retained).
Molecular consequence: synonymous variant.
Genome position (GRCh38, 1-based): chr2:111,858,356, T>C on the plus strand (A>G on the coding strand, the complement: ANAPC1 is on the minus strand). VCF-style: chr2-111858356-T-C. GRCh37 (hg19) VCF-style: chr2-112615933-T-C.
Identifiers: ClinVar variation 4887583 (VCV004887583.2).